The following is an entry in ClinVar:

ClinVar aggregate classification (germline): Uncertain significance (1 of 4 stars; one submission).

Conditions:
Muscular dystrophy-dystroglycanopathy (congenital with brain and eye anomalies), type a, 11 (MDDGA11). Also called: WALKER-WARBURG SYNDROME OR MUSCLE-EYE-BRAIN DISEASE, B3GALNT2-RELATED; Congenital muscular dystrophy-dystroglycanopathy with brain and eye anomalies, type A11; Muscular dystrophy-dystroglycanopathy (congenital with brain and eye anomalies, type A, 11. Identifiers: Orphanet 588, Orphanet 899, MedGen C3554638, MONDO:0014071, OMIM 615181.

Allele frequency attached by ClinVar (database versions not stated): gnomAD exomes below 0.00001; gnomAD 0.00001.
gnomAD v4.1: 3 of 1,611,690 alleles (0.00019%); highest among the groups gnomAD compares: African/African-American, 0.0013%; no homozygotes.

Submission:

Labcorp Genetics (formerly Invitae), Labcorp
Classification: Uncertain significance for Muscular dystrophy-dystroglycanopathy (congenital with brain and eye anomalies), type a, 11. Last evaluated: 2020-01-23. Review status: criteria provided, single submitter. Criteria: Invitae Variant Classification Sherloc (09022015). Collection method: clinical testing. Allele origin: germline.
Comment: This sequence change replaces serine with asparagine at codon 85 of the B3GALNT2 protein (p.Ser85Asn). The serine residue is moderately conserved and there is a small physicochemical difference between serine and asparagine. This variant is not present in population databases (ExAC no frequency). This variant has not been reported in the literature in individuals with B3GALNT2-related conditions. Algorithms developed to predict the effect of missense changes on protein structure and function (SIFT, PolyPhen-2, Align-GVGD) all suggest that this variant is likely to be tolerated, but these predictions have not been confirmed by published functional studies and their clinical significance is uncertain. In summary, the available evidence is currently insufficient to determine the role of this variant in disease. Therefore, it has been classified as a Variant of Uncertain Significance.

NM_152490.5(B3GALNT2):c.254G>A (p.Ser85Asn)

Gene: B3GALNT2 (beta-1,3-N-acetylgalactosaminyltransferase 2; minus strand). Cytogenetic location: 1q42.3.
Variant type: single nucleotide variant.
Coding change: c.254G>A on transcript NM_152490.5 (MANE Select); coding-DNA position 254, G replaced by A.
Protein change: p.Ser85Asn; replaces serine 85 with asparagine.
Molecular consequence: missense variant.
Genome position (GRCh38, 1-based): chr1:235,494,687, C>T on the plus strand (G>A on the coding strand, the complement: B3GALNT2 is on the minus strand). VCF-style: chr1-235494687-C-T. GRCh37 (hg19) VCF-style: chr1-235657997-C-T.
Other names: c.377G>A, p.Ser126Asn (NM_001277155.3); short protein forms S126N, S85N.
Identifiers: ClinVar variation 1055304 (VCV001055304.1), dbSNP rs947223231, ClinGen allele CA39587485.